The following is an entry in ClinVar:

ClinVar aggregate classification (germline): Likely benign (0 of 4 stars; one submission).

Conditions:
ARHGAP31-related disorder. Also called: ARHGAP31-related condition.

Allele frequency attached by ClinVar (database versions not stated): gnomAD 0.00001.
gnomAD v4.1: 1 of 1,614,068 alleles (0.000062%); highest among the groups gnomAD compares: Admixed American, 0.0017%; no homozygotes.

Submission:

PreventionGenetics, part of Exact Sciences
Classification: Likely benign for ARHGAP31-related condition. Last evaluated: 2023-09-24. Review status: no assertion criteria provided. Collection method: clinical testing. Allele origin: germline.
Comment: This variant is classified as likely benign based on ACMG/AMP sequence variant interpretation guidelines (Richards et al. 2015 PMID: 25741868, with internal and published modifications).

NM_020754.4(ARHGAP31):c.2271A>T (p.Ile757=)

Gene: ARHGAP31 (Rho GTPase activating protein 31; plus strand). Cytogenetic location: 3q13.33.
Variant type: single nucleotide variant.
Coding change: c.2271A>T on transcript NM_020754.4 (MANE Select); coding-DNA position 2271, A replaced by T.
Protein change: p.Ile757=; no amino-acid change (isoleucine 757 retained).
Molecular consequence: synonymous variant.
Genome position (GRCh38, 1-based): chr3:119,414,200, A>T. VCF-style: chr3-119414200-A-T. GRCh37 (hg19) VCF-style: chr3-119133047-A-T.
Identifiers: ClinVar variation 3031087 (VCV003031087.2), dbSNP rs1658217402, ClinGen allele CA435411690.